The following is an entry in ClinVar:

ClinVar aggregate classification (germline): Likely benign. Review status: criteria provided, multiple submitters, no conflicts (2 of 4 stars). 3 submissions from 3 submitters: Likely benign (3). Last evaluated 2025-08-29.

Conditions:
TOP3A-related disorder. Also called: TOP3A-related disorders; TOP3A-related condition.

Allele frequency attached by ClinVar (database versions not stated): ESP Exome Variant Server 0.00015.
gnomAD v4.1: 60 of 1,613,530 alleles (0.0037%); highest among the groups gnomAD compares: Non-Finnish European, 0.0047%; no homozygotes.

Submissions (3):

PreventionGenetics, part of Exact Sciences
Classification: Likely benign for TOP3A-related condition. Last evaluated: 2025-08-29. Review status: criteria provided, single submitter. Criteria: ACMG Guidelines, 2015. Collection method: clinical testing. Allele origin: germline.
Comment: This variant is classified as likely benign based on ACMG/AMP sequence variant interpretation guidelines (Richards et al. 2015 PMID: 25741868, with internal and published modifications).

Labcorp Genetics (formerly Invitae), Labcorp
Classification: Likely benign. Last evaluated: 2025-02-10. Review status: criteria provided, single submitter. Criteria: Invitae Variant Classification Sherloc (09022015). Collection method: clinical testing. Allele origin: germline.

Blueprint Genetics
Classification: Likely benign. Last evaluated: 2024-10-24. Review status: criteria provided, single submitter. Criteria: ACMG Guidelines, 2015. Collection method: clinical testing. Allele origin: germline.

NM_004618.5(TOP3A):c.916-8C>T

Gene: TOP3A (DNA topoisomerase III alpha; minus strand). Cytogenetic location: 17p11.2.
Variant type: single nucleotide variant.
Coding change: c.916-8C>T on transcript NM_004618.5 (MANE Select); 8 bases into the intron before coding-DNA position 916, C replaced by T.
Molecular consequence: intron variant.
Genome position (GRCh38, 1-based): chr17:18,299,641, G>A on the plus strand (C>T on the coding strand, the complement: TOP3A is on the minus strand). VCF-style: chr17-18299641-G-A. GRCh37 (hg19) VCF-style: chr17-18202955-G-A.
Other names: c.631-8C>T (NM_001320759.2); c.916-8C>T (NM_004618.4).
Identifiers: ClinVar variation 1588883 (VCV001588883.10), dbSNP rs372563590, ClinGen allele CA8430067.